The following is an entry in ClinVar:

ClinVar aggregate classification (germline): Likely benign. Review status: criteria provided, multiple submitters, no conflicts (2 of 4 stars). 3 submissions from 3 submitters: Likely benign (2). 1 of the submissions does not count toward it. Last evaluated 2025-08-06.

Conditions:
PALLD-related disorder. Also called: PALLD-related condition.
Pancreatic adenocarcinoma. Identifiers: MedGen C0281361, MONDO:0006047, HP:0006725.

Allele frequency attached by ClinVar (database versions not stated): gnomAD exomes 0.00003 and 0.00010; ExAC 0.00009; ESP Exome Variant Server 0.00031; gnomAD 0.00031 and 0.00033; TOPMed 0.00032.
gnomAD v4.1: 99 of 1,610,280 alleles (0.0061%); highest among the groups gnomAD compares: African/African-American, 0.1%; no homozygotes.

Submissions (3):

Labcorp Genetics (formerly Invitae), Labcorp
Classification: Likely benign for Pancreatic adenocarcinoma. Last evaluated: 2025-08-06. Review status: criteria provided, single submitter. Criteria: Invitae Variant Classification Sherloc (09022015). Collection method: clinical testing. Allele origin: germline.

Ambry Genetics
Classification: Likely benign. Last evaluated: 2022-02-13. Review status: criteria provided, single submitter. Criteria: Ambry Variant Classification Scheme 2023. Collection method: clinical testing. Allele origin: germline.

PreventionGenetics, part of Exact Sciences
Classification: Likely benign for PALLD-related condition. Last evaluated: 2024-02-01. Review status: no assertion criteria provided. Collection method: clinical testing. Allele origin: germline. Not counted in ClinVar's aggregate classification.
Comment: This variant is classified as likely benign based on ACMG/AMP sequence variant interpretation guidelines (Richards et al. 2015 PMID: 25741868, with internal and published modifications).

NM_001166108.2(PALLD):c.2976G>A (p.Thr992=)

Genes: CBR4 (carbonyl reductase 4; minus strand), PALLD (palladin, cytoskeletal associated protein; plus strand). Cytogenetic location: 4q32.3.
Variant type: single nucleotide variant.
Coding change: c.2976G>A on transcript NM_001166108.2 (MANE Select); coding-DNA position 2976, G replaced by A.
Protein change: p.Thr992=; no amino-acid change (threonine 992 retained).
Molecular consequence: synonymous variant.
Genome position (GRCh38, 1-based): chr4:168,921,659, G>A. VCF-style: chr4-168921659-G-A. GRCh37 (hg19) VCF-style: chr4-169842810-G-A.
Other names: c.1779G>A, p.Thr593= (NM_001166109.2); c.1464G>A, p.Thr488= (NM_001166110.2); c.804G>A, p.Thr268= (NM_001367567.1, NM_001367569.1); c.855G>A, p.Thr285= (NM_001367568.1, NM_001367570.1); c.2925G>A, p.Thr975= (NM_016081.4).
Identifiers: ClinVar variation 416230 (VCV000416230.16), dbSNP rs143717202, ClinGen allele CA3136001.